The following is an entry in ClinVar:

NM_017617.5(NOTCH1):c.7033G>A (p.Gly2345Ser)

Gene: NOTCH1 (notch receptor 1; minus strand). Cytogenetic location: 9q34.3.
Variant type: single nucleotide variant.
Coding change: c.7033G>A on transcript NM_017617.5 (MANE Select); coding-DNA position 7033, G replaced by A.
Protein change: p.Gly2345Ser; replaces glycine 2345 with serine.
Molecular consequence: missense variant.
Genome position (GRCh38, 1-based): chr9:136,496,706, C>T on the plus strand (G>A on the coding strand, the complement: NOTCH1 is on the minus strand). VCF-style: chr9-136496706-C-T. GRCh37 (hg19) VCF-style: chr9-139391158-C-T.
Other names: c.7033G>A, p.Gly2345Ser (LRG_1122t1); short protein forms G2345S.
Identifiers: ClinVar variation 520058 (VCV000520058.12), dbSNP rs1325758824, ClinGen allele CA375629170.
Genomic context (GRCh38, chr9:136,496,706, plus strand): 5'-AGCTCATCATCTGGGACAGGGCGCTGGCAGCAAGGCTACTGTGCAGCGGGCCTACCATGC[C>T]ATGCTGCAGGGAGGGGGCCTGTGTGCTCAGGGGGCCTGGTGCCACACTCCCCCGCAGAGG-3'
Protein context (NP_060087.3, residues 2335-2355): LSTQAPSLQH[Gly2345Ser]MVGPLHSSLA

ClinVar aggregate classification (germline): Uncertain significance. Review status: criteria provided, multiple submitters, no conflicts (2 of 4 stars). 5 submissions from 4 submitters: Uncertain significance (5). Last evaluated 2025-01-26.

Conditions:
Adams-Oliver syndrome 5 (AOS5). Identifiers: Orphanet 974, MedGen C4014970, MONDO:0014459, OMIM 616028.
Familial thoracic aortic aneurysm and aortic dissection (TAAD). Also called: Thoracic aortic aneurysms and dissections. Identifiers: Orphanet 91387, MedGen C4707243, MONDO:0019625.
Aortic valve disease 1 (AOVD1). Identifiers: MedGen C3887892, MONDO:0024523, OMIM 109730.

Allele frequency attached by ClinVar (database versions not stated): TOPMed below 0.00001; gnomAD 0.00001; gnomAD exomes 0.00001 and 0.00004.
gnomAD v4.1: 58 of 1,612,756 alleles (0.0036%); highest among the groups gnomAD compares: Non-Finnish European, 0.0049%; no homozygotes.

Submissions (5):

Labcorp Genetics (formerly Invitae), Labcorp
Classification: Uncertain significance for Adams-Oliver syndrome 5. Last evaluated: 2025-01-26. Review status: criteria provided, single submitter. Criteria: Invitae Variant Classification Sherloc (09022015). Collection method: clinical testing. Allele origin: germline.
Comment: This sequence change replaces glycine, which is neutral and non-polar, with serine, which is neutral and polar, at codon 2345 of the NOTCH1 protein (p.Gly2345Ser). This variant is present in population databases (no rsID available, gnomAD 0.002%). This variant has not been reported in the literature in individuals affected with NOTCH1-related conditions. ClinVar contains an entry for this variant (Variation ID: 520058). Invitae Evidence Modeling of protein sequence and biophysical properties (such as structural, functional, and spatial information, amino acid conservation, physicochemical variation, residue mobility, and thermodynamic stability) indicates that this missense variant is not expected to disrupt NOTCH1 protein function with a negative predictive value of 80%. In summary, the available evidence is currently insufficient to determine the role of this variant in disease. Therefore, it has been classified as a Variant of Uncertain Significance.

Genome-Nilou Lab
Classification: Uncertain significance for Adams-Oliver syndrome 5. Last evaluated: 2022-03-15. Review status: criteria provided, single submitter. Criteria: ACMG Guidelines, 2015. Collection method: clinical testing. Allele origin: germline. Affected: no.

Genome-Nilou Lab
Classification: Uncertain significance for Aortic valve disease 1. Last evaluated: 2022-03-15. Review status: criteria provided, single submitter. Criteria: ACMG Guidelines, 2015. Collection method: clinical testing. Allele origin: germline. Affected: no.

GeneDx
Classification: Uncertain significance. Last evaluated: 2021-01-15. Review status: criteria provided, single submitter. Criteria: GeneDx Variant Classification Process June 2021. Collection method: clinical testing. Allele origin: germline. Affected: yes.
Comment: Has not been previously published as pathogenic or benign to our knowledge; Not observed at a significant frequency in large population cohorts (Lek et al., 2016); In silico analysis supports that this missense variant does not alter protein structure/function; Reported in ClinVar as a variant of uncertain significance, but additional evidence is not available (ClinVar Variant ID# 520058; Landrum et al., 2016)

Ambry Genetics
Classification: Uncertain significance for Familial thoracic aortic aneurysm and aortic dissection. Last evaluated: 2016-12-02. Review status: criteria provided, single submitter. Criteria: Ambry Variant Classification Scheme 2023. Collection method: clinical testing. Allele origin: germline.
Comment: The p.G2345S variant (also known as c.7033G>A), located in coding exon 34 of the NOTCH1 gene, results from a G to A substitution at nucleotide position 7033. The glycine at codon 2345 is replaced by serine, an amino acid with similar properties. This amino acid position is not well conserved in available vertebrate species, and serine is the reference amino acid in other vertebrate species. In addition, this alteration is predicted to be tolerated by in silico analysis. Since supporting evidence is limited at this time, the clinical significance of this alteration remains unclear.